The following is an entry in ClinVar:

NM_015102.5(NPHP4):c.631C>G (p.Leu211Val)

Gene: NPHP4 (nephrocystin 4; minus strand). Cytogenetic location: 1p36.31.
Variant type: single nucleotide variant.
Coding change: c.631C>G on transcript NM_015102.5 (MANE Select); coding-DNA position 631, C replaced by G.
Protein change: p.Leu211Val; replaces leucine 211 with valine.
Molecular consequence: missense variant. On other transcripts: 5 prime UTR variant (2), non-coding transcript variant (1).
Genome position (GRCh38, 1-based): chr1:5,961,836, G>C on the plus strand (C>G on the coding strand, the complement: NPHP4 is on the minus strand). VCF-style: chr1-5961836-G-C. GRCh37 (hg19) VCF-style: chr1-6021896-G-C.
Other names: c.-599C>G (NM_001291593.2); c.-736C>G (NM_001291594.2); short protein forms L211V.
Identifiers: ClinVar variation 1500744 (VCV001500744.6), dbSNP rs766491055, ClinGen allele CA338069691.

ClinVar aggregate classification (germline): Uncertain significance (1 of 4 stars; one submission).

Conditions:
Nephronophthisis. Also called: Juvenile Nephronophthisis. Identifiers: Orphanet 655, MedGen C0687120, MONDO:0019005, HP:0000090.

Allele frequency attached by ClinVar (database versions not stated): TOPMed below 0.00001; gnomAD 0.00001.
gnomAD v4.1: 1 of 1,613,418 alleles (0.000062%); highest among the groups gnomAD compares: African/African-American, 0.0013%; no homozygotes.

Submission:

Labcorp Genetics (formerly Invitae), Labcorp
Classification: Uncertain significance for Nephronophthisis. Last evaluated: 2022-09-12. Review status: criteria provided, single submitter. Criteria: Invitae Variant Classification Sherloc (09022015). Collection method: clinical testing. Allele origin: germline.
Comment: This variant has not been reported in the literature in individuals affected with NPHP4-related conditions. This sequence change replaces leucine, which is neutral and non-polar, with valine, which is neutral and non-polar, at codon 211 of the NPHP4 protein (p.Leu211Val). This variant is not present in population databases (gnomAD no frequency). ClinVar contains an entry for this variant (Variation ID: 1500744). Advanced modeling of protein sequence and biophysical properties (such as structural, functional, and spatial information, amino acid conservation, physicochemical variation, residue mobility, and thermodynamic stability) performed at Invitae indicates that this missense variant is expected to disrupt NPHP4 protein function. In summary, the available evidence is currently insufficient to determine the role of this variant in disease. Therefore, it has been classified as a Variant of Uncertain Significance.